The following is an entry in ClinVar:

ClinVar aggregate classification (germline): Likely benign. Review status: criteria provided, single submitter (1 of 4 stars). 2 submissions from 2 submitters: Likely benign (1). 1 of the submissions does not count toward it. Last evaluated 2025-04-13.

Conditions:
Saldino-Mainzer syndrome (SRTD9). Also called: CONORENAL SYNDROME; Renal dysplasia, retinal pigmentary dystrophy, cerebellar ataxia and skeletal dysplasia; SHORT-RIB THORACIC DYSPLASIA 9 WITHOUT POLYDACTYLY; short-rib thoracic dysplasia 9 with or without polydactyly. Identifiers: Orphanet 140969, MedGen C1849437, MONDO:0009964, OMIM 266920.
IFT140-related disorder. Also called: IFT140-related condition.

Allele frequency attached by ClinVar (database versions not stated): gnomAD exomes below 0.00001 and 0.00001; ExAC 0.00002; gnomAD 0.00003; 1000 Genomes Project 30x 0.00016; 1000 Genomes Project 0.00020.
gnomAD v4.1: 12 of 1,614,248 alleles (0.00074%); highest among the groups gnomAD compares: African/African-American, 0.0067%; no homozygotes.

Submissions (2):

Labcorp Genetics (formerly Invitae), Labcorp
Classification: Likely benign for Saldino-Mainzer syndrome. Last evaluated: 2025-04-13. Review status: criteria provided, single submitter. Criteria: Invitae Variant Classification Sherloc (09022015). Collection method: clinical testing. Allele origin: germline.

PreventionGenetics, part of Exact Sciences
Classification: Likely benign for IFT140-related condition. Last evaluated: 2024-09-08. Review status: no assertion criteria provided. Collection method: clinical testing. Allele origin: germline. Not counted in ClinVar's aggregate classification.
Comment: This variant is classified as likely benign based on ACMG/AMP sequence variant interpretation guidelines (Richards et al. 2015 PMID: 25741868, with internal and published modifications).

NM_014714.4(IFT140):c.438C>T (p.His146=)

Genes: IFT140 (intraflagellar transport 140; minus strand), LOC105371046 (uncharacterized LOC105371046; plus strand). Cytogenetic location: 16p13.3.
Variant type: single nucleotide variant.
Coding change: c.438C>T on transcript NM_014714.4 (MANE Select); coding-DNA position 438, C replaced by T.
Protein change: p.His146=; no amino-acid change (histidine 146 retained).
Molecular consequence: synonymous variant.
Genome position (GRCh38, 1-based): chr16:1,592,520, G>A on the plus strand (C>T on the coding strand, the complement: IFT140 is on the minus strand). VCF-style: chr16-1592520-G-A. GRCh37 (hg19) VCF-style: chr16-1642521-G-A.
Other names: c.438C>T (NM_014714.3).
Identifiers: ClinVar variation 1614616 (VCV001614616.9), dbSNP rs564988341, ClinGen allele CA7814707.
Genomic context (GRCh38, chr16:1,592,520, plus strand): 5'-CACTTACTCGCCAGGAGGGGGGAGCCGGAAGATGCAGTGCGTGAGGTGTTTCCCATACTC[G>A]TGTTTCAGCAGAGGCGTCCCTTGCACTCGGCCCCTTTGGTCCAACCTCCACAAGAGCAAG-3'
Protein context (NP_055529.2, residues 136-156): GRVQGTPLLK[His146=]EYGKHLTHCI